The following is an entry in ClinVar:

ClinVar aggregate classification (germline): Pathogenic. Review status: criteria provided, single submitter (1 of 4 stars). 3 submissions from 3 submitters: Pathogenic (1). 2 of the submissions do not count toward it. Last evaluated 2021-09-23.

Conditions:
Holoprosencephaly 3 (HPE3). Identifiers: Orphanet 2162, MedGen C1840529, MONDO:0007733, OMIM 142945.

Submissions (3):

Labcorp Genetics (formerly Invitae), Labcorp
Classification: Pathogenic for Holoprosencephaly 3. Last evaluated: 2021-09-23. Review status: criteria provided, single submitter. Criteria: Invitae Variant Classification Sherloc (09022015). Collection method: clinical testing. Allele origin: germline.
Comment: The frequency data for this variant in the population databases is considered unreliable, as metrics indicate insufficient coverage at this position in the ExAC database. For these reasons, this variant has been classified as Pathogenic. This variant disrupts a region of the SHH protein in which other variant(s) (p.Glu284Glyfs*31) have been determined to be pathogenic (Invitae). This suggests that this is a clinically significant region of the protein, and that variants that disrupt it are likely to be disease-causing. Algorithms developed to predict the effect of sequence changes on RNA splicing suggest that this variant may create or strengthen a splice site. ClinVar contains an entry for this variant (Variation ID: 8885). This premature translational stop signal has been observed in individual(s) with clinical features of holoprosencephaly (PMID: 9302262, 15107988). This sequence change creates a premature translational stop signal (p.Glu284*) in the SHH gene. While this is not anticipated to result in nonsense mediated decay, it is expected to disrupt the last 179 amino acid(s) of the SHH protein.

GeneReviews
Classification: Pathogenic for Holoprosencephaly. Last evaluated: 2013-08-29. Review status: no assertion criteria provided. Collection method: curation. Allele origin: unknown. Not counted in ClinVar's aggregate classification.
ClinVar note: Converted during submission from pathologic to Pathogenic.

OMIM
Classification: Pathogenic for HOLOPROSENCEPHALY 3. Last evaluated: 1997-10-01. Review status: no assertion criteria provided. Collection method: literature only. Allele origin: germline. Not counted in ClinVar's aggregate classification.

Literature cited by the submitters: PubMed 9302262 (cited by Labcorp Genetics (formerly Invitae), Labcorp and OMIM); PubMed 15107988 (cited by Labcorp Genetics (formerly Invitae), Labcorp).

NM_000193.4(SHH):c.850G>T (p.Glu284Ter)

Gene: SHH (sonic hedgehog signaling molecule; minus strand). Cytogenetic location: 7q36.3.
Variant type: single nucleotide variant.
Coding change: c.850G>T on transcript NM_000193.4 (MANE Select); coding-DNA position 850, G replaced by T.
Protein change: p.Glu284Ter; replaces glutamic acid 284 with a stop codon.
Molecular consequence: nonsense. On other transcripts: intron variant (1).
Genome position (GRCh38, 1-based): chr7:155,803,439, C>A on the plus strand (G>T on the coding strand, the complement: SHH is on the minus strand). VCF-style: chr7-155803439-C-A. GRCh37 (hg19) VCF-style: chr7-155596133-C-A.
Other names: c.850G>T; c.301+2857G>T (NM_001310462.2); short protein forms E284*.
Identifiers: ClinVar variation 8885 (VCV000008885.7), dbSNP rs104894046, ClinGen allele CA340837.